The following is an entry in ClinVar:

NM_018116.4(MSTO1):c.1033C>T (p.Arg345Cys)

Gene: MSTO1 (misato mitochondrial distribution and morphology regulator 1; plus strand). Cytogenetic location: 1q22.
Variant type: single nucleotide variant.
Coding change: c.1033C>T on transcript NM_018116.4 (MANE Select); coding-DNA position 1033, C replaced by T.
Protein change: p.Arg345Cys; replaces arginine 345 with cysteine.
Molecular consequence: missense variant. On other transcripts: non-coding transcript variant (6).
Genome position (GRCh38, 1-based): chr1:155,612,910, C>T. VCF-style: chr1-155612910-C-T. GRCh37 (hg19) VCF-style: chr1-155582701-C-T.
Other names: MSTO1, ARG345CYS (rs150075701); c.1033C>T, p.Arg345Cys (NM_001256532.1, NM_001256533.1, NM_001350772.1 and 3 more transcripts); c.868C>T, p.Arg290Cys (NM_001350776.1); c.502C>T, p.Arg168Cys (NM_001350777.1, NM_001350778.1, NM_001350779.1); c.499C>T, p.Arg167Cys (NM_001350780.1, NM_001350781.1, NM_001350782.1 and 3 more transcripts); c.490C>T, p.Arg164Cys (NM_001350784.1, NM_001350785.1, NM_001350787.1 and 1 more transcripts); short protein forms R345C, R164C, R167C, R290C, R168C.
Identifiers: ClinVar variation 438831 (VCV000438831.5), dbSNP rs749922789, ClinGen allele CA1148106.
Genomic context (GRCh38, chr1:155,612,910, plus strand): 5'-CTGCCCTTCCACTGCAGTGCCATCCTGGCTACAGCCCTGGACACAGTCACTGTTCCTTAT[C>T]GCCTGTGTTCCTCTCCAGTTTCCATGGTTCATCTGGCTGACATGCTGAGCTTCTGTGGGA-3'
Protein context (NP_060586.2, residues 335-355): TALDTVTVPY[Arg345Cys]LCSSPVSMVH

ClinVar aggregate classification (germline): Pathogenic/Likely pathogenic. Review status: criteria provided, multiple submitters, no conflicts (2 of 4 stars). 4 submissions from 4 submitters: Pathogenic (1); Likely pathogenic (2). 1 of the submissions does not count toward it. Last evaluated 2026-04-30.

Conditions:
Mitochondrial myopathy-cerebellar ataxia-pigmentary retinopathy syndrome. Also called: MYOPATHY, MITOCHONDRIAL, AND ATAXIA. Identifiers: Orphanet 502423, MedGen C4540096, MONDO:0044714, OMIM 617675.

Allele frequency attached by ClinVar (database versions not stated): gnomAD exomes 0.00002; ExAC 0.00001; gnomAD 0.00005; TOPMed 0.00004.
gnomAD v4.1: 35 of 1,613,462 alleles (0.0022%); highest among the groups gnomAD compares: African/African-American, 0.0027%; no homozygotes.

Submissions (4):

GeneDx
Classification: Pathogenic. Last evaluated: 2026-04-30. Review status: criteria provided, single submitter. Criteria: GeneDx Variant Classification Process June 2021. Collection method: clinical testing. Allele origin: germline.
Comment: Published functional studies using patient-derived fibroblasts demonstrate reduced transcript amount and decreased MTSO1 protein based on RT-PCR and western blotting (PMID: 28544275); In silico analysis supports that this missense variant has a deleterious effect on protein structure/function; Not observed at significant frequency in large population cohorts (gnomAD); This variant is associated with the following publications: (PMID: 28544275, 29339779, 31463572, 41653646)

Variantyx, Inc.
Classification: Likely pathogenic for Mitochondrial myopathy-cerebellar ataxia-pigmentary retinopathy syndrome. Last evaluated: 2025-10-09. Review status: criteria provided, single submitter. Criteria: Variantyx Assertion Criteria 2022. Collection method: clinical testing. Allele origin: germline. Inheritance: Autosomal recessive inheritance. Affected: no.
Comment: This is a nonsynonymous variant in the MSTO1 gene (OMIM: 617619). Pathogenic variants in this gene have been associated with autosomal recessive mitochondrial myopathy and ataxia. This variant has been reported in the homozygous or compound heterozygous state in several unrelated affected individuals (PMID: 28544275, 31463572) (PM3_Strong). Computational algorithms produce conflicting evidence regarding the predicted functional impact of this variant (REVEL score: 0.438), but functional studies have shown that this variant alters MSTO1 protein function (PMID: 28544275) (PS3_Moderate). This variant has a 0.0027% maximum allele frequency in non-founder control populations (PM2_Supporting). Based on the current evidence, this variant is classified as likely pathogenic for autosomal recessive mitochondrial myopathy and ataxia. Of note, autosomal dominant inheritance has also been suggested, but is not established (Clingen expert group; PMID: 37431816; PMID: 37431815).

Revvity Omics, Revvity
Classification: Likely pathogenic for Mitochondrial myopathy-cerebellar ataxia-pigmentary retinopathy syndrome. Last evaluated: 2024-12-09. Review status: criteria provided, single submitter. Criteria: ACMG Guidelines, 2015. Collection method: clinical testing. Allele origin: germline.

OMIM
Classification: Pathogenic for MYOPATHY, MITOCHONDRIAL, AND ATAXIA, AUTOSOMAL RECESSIVE. Last evaluated: 2017-09-22. Review status: no assertion criteria provided. Collection method: literature only. Allele origin: germline. Not counted in ClinVar's aggregate classification.

Literature cited by the submitters: PubMed 28544275 (cited by Variantyx, Inc. and OMIM); PubMed 31463572 (cited by Variantyx, Inc.).